The following is an entry in ClinVar:

ClinVar aggregate classification (germline): Likely benign. Review status: reviewed by expert panel (3 of 4 stars). 12 submissions from 12 submitters: Likely benign (1). 11 of the submissions do not count toward it. Last evaluated 2017-06-29.

Conditions:
BRCA2-related cancer predisposition. Identifiers: MedGen CN377758, MONDO:0700269.
BRCA2-related disorder. Also called: BRCA2-related condition; BRCA2-related disorders. Identifiers: MedGen CN239275.
Hereditary cancer-predisposing syndrome. Also called: Neoplastic Syndromes, Hereditary; Tumor predisposition; Hereditary neoplastic syndrome; Hereditary Cancer Syndrome. Identifiers: Orphanet 140162, MedGen C0027672, MeSH D009386, MONDO:0015356.
Hereditary breast ovarian cancer syndrome. Also called: Hereditary breast and/or ovarian cancer syndrome; Hereditary breast and ovarian cancer syndrome; Hereditary breast and ovarian cancer; Hereditary breast and ovarian cancer syndrome (HBOC); Breast and ovarian cancer; BRCA1- and BRCA2-Associated Hereditary Breast and Ovarian Cancer. Identifiers: Orphanet 145, MedGen C0677776, MeSH D061325, MONDO:0003582. Disease mechanism: loss of function.
Breast-ovarian cancer, familial, susceptibility to, 2 (BROVCA2). Also called: BRCA2 Hereditary Breast and Ovarian Cancer. Identifiers: Orphanet 145, MedGen C2675520, MONDO:0012933, OMIM 612555. Disease mechanism: loss of function.

Allele frequency attached by ClinVar (database versions not stated): gnomAD exomes below 0.00001 and 0.00002; ExAC 0.00001; TOPMed 0.00001.
gnomAD v4.1: 6 of 1,612,920 alleles (0.00037%); highest among the groups gnomAD compares: Admixed American, 0.0083%; no homozygotes.

Submissions (12):

Evidence-based Network for the Interpretation of Germline Mutant Alleles (ENIGMA)
Classification: Likely benign for Breast-ovarian cancer, familial, susceptibility to, 2. Last evaluated: 2017-06-29. Review status: reviewed by expert panel. Criteria: ENIGMA BRCA1/2 Classification Criteria (2017-06-29). Collection method: curation. Allele origin: germline.
Comment: Synonymous substitution variant, with low bioinformatic likelihood to result in a splicing aberration (Splicing prior probability 0.02).

PreventionGenetics, part of Exact Sciences
Classification: Likely benign for BRCA2-related condition. Last evaluated: 2026-02-03. Review status: criteria provided, single submitter. Criteria: ACMG Guidelines, 2015. Collection method: clinical testing. Allele origin: germline. Not counted in ClinVar's aggregate classification.
Comment: This variant is classified as likely benign based on ACMG/AMP sequence variant interpretation guidelines (Richards et al. 2015 PMID: 25741868, with internal and published modifications).

Labcorp Genetics (formerly Invitae), Labcorp
Classification: Likely benign for Hereditary breast ovarian cancer syndrome. Last evaluated: 2026-01-31. Review status: criteria provided, single submitter. Criteria: Invitae Variant Classification Sherloc (09022015). Collection method: clinical testing. Allele origin: germline. Not counted in ClinVar's aggregate classification.

ARUP Laboratories, Molecular Genetics and Genomics, ARUP Laboratories
Classification: Likely benign. Last evaluated: 2025-04-08. Review status: criteria provided, single submitter. Criteria: ARUP Molecular Germline Variant Investigation Process 2024. Collection method: clinical testing. Allele origin: germline. Not counted in ClinVar's aggregate classification.

All of Us Research Program, National Institutes of Health
Classification: Likely benign for BRCA2-related cancer predisposition. Last evaluated: 2024-07-29. Review status: criteria provided, single submitter. Criteria: ACMG Guidelines, 2015. Collection method: clinical testing. Allele origin: germline. Inheritance: Autosomal dominant inheritance. Observed: 6 variant alleles, 6 heterozygotes. Not counted in ClinVar's aggregate classification.
Comment: This study involves interpretation of variants in research participants for the purpose of population health screening. Participant phenotype was not available at the time of variant classification. Additional details can be found in publication PMID: 35346344, PMCID: PMC8962531

Blueprint Genetics
Classification: Likely benign. Last evaluated: 2023-07-03. Review status: criteria provided, single submitter. Criteria: ACMG Guidelines, 2015. Collection method: clinical testing. Allele origin: germline. Not counted in ClinVar's aggregate classification.

Quest Diagnostics Nichols Institute San Juan Capistrano
Classification: Likely benign. Last evaluated: 2022-03-26. Review status: criteria provided, single submitter. Criteria: Quest Diagnostics criteria. Collection method: clinical testing. Allele origin: unknown. Not counted in ClinVar's aggregate classification.

Sema4
Classification: Likely benign for Hereditary cancer-predisposing syndrome. Last evaluated: 2021-11-28. Review status: criteria provided, single submitter. Criteria: Sema4 Curation Guidelines. Collection method: curation. Allele origin: germline. Not counted in ClinVar's aggregate classification.

Color Diagnostics, LLC DBA Color Health
Classification: Likely benign for Hereditary cancer-predisposing syndrome. Last evaluated: 2019-08-27. Review status: criteria provided, single submitter. Criteria: ACMG Guidelines, 2015. Collection method: clinical testing. Allele origin: germline. Not counted in ClinVar's aggregate classification.

Women's Health and Genetics/Laboratory Corporation of America, LabCorp
Classification: Likely benign. Last evaluated: 2019-04-16. Review status: criteria provided, single submitter. Criteria: LabCorp Variant Classification Summary - May 2015. Collection method: clinical testing. Allele origin: germline. Not counted in ClinVar's aggregate classification.
Comment: Variant summary: BRCA2 c.90T>C alters a non-conserved nucleotide resulting in a synonymous change. 5/5 computational tools predict no significant impact on normal splicing. However, these predictions have yet to be confirmed by functional studies. The variant allele was found at a frequency of 2.2e-05 in 275792 control chromosomes (gnomAD and publication). The available data on variant occurrences in the general population are insufficient to allow any conclusion about variant significance.To our knowledge, no occurrence of c.90T>C in individuals affected with Hereditary Breast and Ovarian Cancer and no experimental evidence demonstrating its impact on protein function have been reported. Four ClinVar submissions from clinical diagnostic laboratories and an expert panel (ENIGMA) (evaluation after 2014) cite the variant as likely benign. Based on the evidence outlined above, the variant was classified as likely benign.

GeneDx
Classification: Likely benign. Last evaluated: 2018-01-08. Review status: criteria provided, single submitter. Criteria: GeneDx Variant Classification (06012015). Collection method: clinical testing. Allele origin: germline. Affected: yes. Not counted in ClinVar's aggregate classification.
Comment: This variant is considered likely benign or benign based on one or more of the following criteria: it is a conservative change, it occurs at a poorly conserved position in the protein, it is predicted to be benign by multiple in silico algorithms, and/or has population frequency not consistent with disease.

Ambry Genetics
Classification: Likely benign for Hereditary cancer-predisposing syndrome. Last evaluated: 2014-12-03. Review status: criteria provided, single submitter. Criteria: Ambry Variant Classification Scheme 2023. Collection method: clinical testing. Allele origin: germline. Not counted in ClinVar's aggregate classification.

NM_000059.4(BRCA2):c.90T>C (p.Asn30=)

Gene: BRCA2 (BRCA2 DNA repair associated; plus strand). Cytogenetic location: 13q13.1.
Variant type: single nucleotide variant.
Coding change: c.90T>C on transcript NM_000059.4 (MANE Select); coding-DNA position 90, T replaced by C.
Protein change: p.Asn30=; no amino-acid change (asparagine 30 retained).
Molecular consequence: synonymous variant.
Genome position (GRCh38, 1-based): chr13:32,319,099, T>C. VCF-style: chr13-32319099-T-C. GRCh37 (hg19) VCF-style: chr13-32893236-T-C.
Identifiers: ClinVar variation 184029 (VCV000184029.30), dbSNP rs760655471, ClinGen allele CA025976.